The following is an entry in ClinVar:

NM_152743.4(BRAT1):c.586C>T (p.Gln196Ter)

Gene: BRAT1 (BRCA1 associated ATM activator 1; minus strand). Cytogenetic location: 7p22.3.
Variant type: single nucleotide variant.
Coding change: c.586C>T on transcript NM_152743.4 (MANE Select); coding-DNA position 586, C replaced by T.
Protein change: p.Gln196Ter; replaces glutamine 196 with a stop codon.
Molecular consequence: nonsense. On other transcripts: non-coding transcript variant (1).
Genome position (GRCh38, 1-based): chr7:2,543,807, G>A on the plus strand (C>T on the coding strand, the complement: BRAT1 is on the minus strand). VCF-style: chr7-2543807-G-A. GRCh37 (hg19) VCF-style: chr7-2583441-G-A.
Other names: c.586C>T, p.Gln196Ter (NM_001350626.2); c.61C>T, p.Gln21Ter (NM_001350627.2); short protein forms Q196*, Q21*.
Identifiers: ClinVar variation 2628329 (VCV002628329.4), dbSNP rs149814450, ClinGen allele CA366632193.
Genomic context (GRCh38, chr7:2,543,807, plus strand): 5'-GAGTGACCTTGGGGGTGGCCGCGGAGCACAAGGACTCTTCAACGTGATCCATGATCTTCT[G>A]GGCACACGCGGGCCAGTCACCCCCCGGCAGGCAGGGCTGCCCCTCGGCTCCACCTCGCAT-3'

ClinVar aggregate classification (germline): Pathogenic/Likely pathogenic. Review status: criteria provided, multiple submitters, no conflicts (2 of 4 stars). 2 submissions from 2 submitters: Pathogenic (1); Likely pathogenic (1). Last evaluated 2023-11-10.

Conditions:
Neonatal-onset encephalopathy with rigidity and seizures. Also called: Lethal neonatal spasticity-epileptic encephalopathy syndrome. Identifiers: Orphanet 435845, MedGen C3281029, MONDO:0013784, OMIM 614498.
BRAT1-related disorder. Also called: BRAT1-related condition; BRAT1-related disorders.

Allele frequency attached by ClinVar (database versions not stated): gnomAD exomes 0.00001.
gnomAD v4.1: 9 of 1,612,742 alleles (0.00056%); highest among the groups gnomAD compares: Non-Finnish European, 0.00076%; no homozygotes.

Submissions (2):

Daryl Scott Lab, Baylor College of Medicine
Classification: Likely pathogenic for BRAT1-related disorder. Last evaluated: 2023-11-10. Review status: criteria provided, single submitter. Criteria: ACMG Guidelines, 2015. Collection method: clinical testing. Allele origin: biparental.

Labcorp Genetics (formerly Invitae), Labcorp
Classification: Pathogenic for Neonatal-onset encephalopathy with rigidity and seizures. Last evaluated: 2023-09-06. Review status: criteria provided, single submitter. Criteria: Invitae Variant Classification Sherloc (09022015). Collection method: clinical testing. Allele origin: germline.
Comment: This variant is not present in population databases (gnomAD no frequency). This sequence change creates a premature translational stop signal (p.Gln196*) in the BRAT1 gene. It is expected to result in an absent or disrupted protein product. Loss-of-function variants in BRAT1 are known to be pathogenic (PMID: 22279524, 25500575). This variant has not been reported in the literature in individuals affected with BRAT1-related conditions. For these reasons, this variant has been classified as Pathogenic.

Literature cited by the submitters: PubMed 22279524 (cited by Labcorp Genetics (formerly Invitae), Labcorp); PubMed 25500575 (cited by Labcorp Genetics (formerly Invitae), Labcorp).